The following is an entry in ClinVar:

ClinVar aggregate classification (germline): Uncertain significance (1 of 4 stars; one submission).

Conditions:
Ataxia-telangiectasia syndrome (AT). Also called: Cerebello-oculocutaneous telangiectasia; Immunodeficiency with ataxia telangiectasia; ATAXIA-TELANGIECTASIA, COMPLEMENTATION GROUP A; ATAXIA-TELANGIECTASIA, FRESNO VARIANT; LOUIS-BAR SYNDROME; Ataxia-telangiectasia, complementation group E. Identifiers: Orphanet 100, MedGen C0004135, MONDO:0008840, OMIM 208900.

Submission:

Labcorp Genetics (formerly Invitae), Labcorp
Classification: Uncertain significance for Ataxia-telangiectasia syndrome. Last evaluated: 2022-09-09. Review status: criteria provided, single submitter. Criteria: Invitae Variant Classification Sherloc (09022015). Collection method: clinical testing. Allele origin: germline.
Comment: In summary, the available evidence is currently insufficient to determine the role of this variant in disease. Therefore, it has been classified as a Variant of Uncertain Significance. Algorithms developed to predict the effect of missense changes on protein structure and function (SIFT, PolyPhen-2, Align-GVGD) all suggest that this variant is likely to be tolerated. ClinVar contains an entry for this variant (Variation ID: 1016974). This variant has not been reported in the literature in individuals affected with ATM-related conditions. This variant is not present in population databases (gnomAD no frequency). This sequence change replaces histidine, which is basic and polar, with aspartic acid, which is acidic and polar, at codon 993 of the ATM protein (p.His993Asp).

NM_000051.4(ATM):c.2977C>G (p.His993Asp)

Gene: ATM (ATM serine/threonine kinase; plus strand). Cytogenetic location: 11q22.3.
Variant type: single nucleotide variant.
Coding change: c.2977C>G on transcript NM_000051.4 (MANE Select); coding-DNA position 2977, C replaced by G.
Protein change: p.His993Asp; replaces histidine 993 with aspartic acid.
Molecular consequence: missense variant.
Genome position (GRCh38, 1-based): chr11:108,271,306, C>G. VCF-style: chr11-108271306-C-G. GRCh37 (hg19) VCF-style: chr11-108142033-C-G.
Other names: c.2977C>G, p.His993Asp (NM_001351834.2); short protein forms H993D.
Identifiers: ClinVar variation 1016974 (VCV001016974.8), dbSNP rs2081569641, ClinGen allele CA382547299.